The following is an entry in ClinVar:

NM_000059.4(BRCA2):c.4273del (p.Asp1425fs)

Gene: BRCA2 (BRCA2 DNA repair associated; plus strand). Cytogenetic location: 13q13.1.
Variant type: Deletion.
Coding change: c.4273del on transcript NM_000059.4 (MANE Select); coding-DNA position 4273, one base deleted (G; older notation c.4273delG).
Protein change: p.Asp1425fs; shifts the reading frame from aspartic acid 1425.
Molecular consequence: frameshift variant.
Genome position (GRCh38, 1-based): chr13:32,338,628, G deleted. VCF-style (leftmost placement, unchanged base first): chr13-32338627-TG-T. GRCh37 (hg19) VCF-style: chr13-32912764-TG-T.
Other names: c.4273delG (NM_000059.3); short protein forms D1425fs.
Identifiers: ClinVar variation 409487 (VCV000409487.7), dbSNP rs1060502426, ClinGen allele CA16613968.

ClinVar aggregate classification (germline): Pathogenic. Review status: reviewed by expert panel (3 of 4 stars). 2 submissions from 2 submitters: Pathogenic (1). 1 of the submissions does not count toward it. Last evaluated 2017-12-15.

Conditions:
Hereditary breast ovarian cancer syndrome. Also called: Hereditary breast and ovarian cancer syndrome; Hereditary breast and/or ovarian cancer syndrome; BRCA1- and BRCA2-Associated Hereditary Breast and Ovarian Cancer; Hereditary breast and ovarian cancer syndrome (HBOC); Hereditary breast and ovarian cancer; Breast and ovarian cancer. Identifiers: Orphanet 145, MedGen C0677776, MeSH D061325, MONDO:0003582. Disease mechanism: loss of function.
Breast-ovarian cancer, familial, susceptibility to, 2 (BROVCA2). Also called: BRCA2 Hereditary Breast and Ovarian Cancer. Identifiers: Orphanet 145, MedGen C2675520, MONDO:0012933, OMIM 612555. Disease mechanism: loss of function.

Submissions (2):

Evidence-based Network for the Interpretation of Germline Mutant Alleles (ENIGMA)
Classification: Pathogenic for Breast-ovarian cancer, familial, susceptibility to, 2. Last evaluated: 2017-12-15. Review status: reviewed by expert panel. Criteria: ENIGMA BRCA1/2 Classification Criteria (2017-06-29). Collection method: curation. Allele origin: germline. Study: ENIGMA.
Comment: Variant allele predicted to encode a truncated non-functional protein.

Labcorp Genetics (formerly Invitae), Labcorp
Classification: Pathogenic for Hereditary breast ovarian cancer syndrome. Last evaluated: 2025-03-29. Review status: criteria provided, single submitter. Criteria: Invitae Variant Classification Sherloc (09022015). Collection method: clinical testing. Allele origin: germline. Not counted in ClinVar's aggregate classification.
Comment: This sequence change creates a premature translational stop signal (p.Asp1425Ilefs*23) in the BRCA2 gene. It is expected to result in an absent or disrupted protein product. Loss-of-function variants in BRCA2 are known to be pathogenic (PMID: 20104584). This variant is not present in population databases (gnomAD no frequency). This variant has not been reported in the literature in individuals affected with BRCA2-related conditions. ClinVar contains an entry for this variant (Variation ID: 409487). For these reasons, this variant has been classified as Pathogenic.

Literature cited by the submitters: PubMed 20104584 (cited by Labcorp Genetics (formerly Invitae), Labcorp).